The following is an entry in ClinVar:

NM_000260.4(MYO7A):c.1184G>A (p.Arg395His)

Gene: MYO7A (myosin VIIA; plus strand). Cytogenetic location: 11q13.5.
Variant type: single nucleotide variant.
Coding change: c.1184G>A on transcript NM_000260.4 (MANE Select); coding-DNA position 1184, G replaced by A.
Protein change: p.Arg395His; replaces arginine 395 with histidine.
Molecular consequence: missense variant.
Genome position (GRCh38, 1-based): chr11:77,160,266, G>A. VCF-style: chr11-77160266-G-A. GRCh37 (hg19) VCF-style: chr11-76871312-G-A.
Other names: c.1184G>A, p.Arg395His (NM_001127180.2); c.1151G>A, p.Arg384His (NM_001369365.1); short protein forms R395H, R384H.
Identifiers: ClinVar variation 29926 (VCV000029926.13), dbSNP rs387906700, ClinGen allele CA128772.
Genomic context (GRCh38, chr11:77,160,266, plus strand): 5'-TCATCACCCGCGGGGAGACGGTGTCCACCCCACTGAGCAGGGAACAGGCACTGGACGTGC[G>A]CGACGCCTTCGTAAAGGTGGGCTGGAGGGAAGGGGCCGCTTGCTCGCCCTACCCCTTGGG-3'
Protein context (NP_000251.3, residues 385-405): PLSREQALDV[Arg395His]DAFVKGIYGR

ClinVar aggregate classification (germline): Conflicting classifications of pathogenicity. Review status: criteria provided, conflicting classifications (1 of 4 stars). 9 submissions from 9 submitters: Pathogenic (3); Likely pathogenic (4); Uncertain significance (1). 1 of the submissions does not count toward it. Last evaluated 2026-08-28.

Conditions:
MYO7A-related disorder. Also called: MYO7A-related disorders.
Usher syndrome. Also called: Usher Syndromes; Usher's syndrome. Identifiers: Orphanet 886, MedGen CN469326, MeSH D052245, MONDO:0019501. Disease mechanism: loss of function.
Autosomal recessive nonsyndromic hearing loss 2. Also called: DEAFNESS, AUTOSOMAL RECESSIVE 2; NEUROSENSORY NONSYNDROMIC RECESSIVE DEAFNESS 2. Identifiers: Orphanet 90636, MedGen C1838701, MONDO:0010807, OMIM 600060.
Autosomal dominant nonsyndromic hearing loss 11. Identifiers: Orphanet 90635, MedGen C1832475, MONDO:0011032, OMIM 601317.
Usher syndrome type 1 (USH1). Also called: RETINITIS PIGMENTOSA AND CONGENITAL DEAFNESS. Identifiers: Orphanet 231169, Orphanet 886, MedGen C1568247, MONDO:0010168, OMIM 276900.
Usher syndrome type 1B (USH1B). Also called: Usher syndrome type IB. Identifiers: MedGen C1848638, MONDO:0700087.

Allele frequency attached by ClinVar (database versions not stated): gnomAD exomes 0.00001.
gnomAD v4.1: 9 of 1,567,920 alleles (0.00057%); highest among the groups gnomAD compares: African/African-American, 0.0027%; no homozygotes.

Submissions (9):

Myriad Genetics, Inc.
Classification: Uncertain significance for Usher syndrome type 1. Last evaluated: 2026-08-28. Review status: criteria provided, single submitter. Criteria: Myriad Autosomal Dominant, Autosomal Recessive and X-Linked Classification Criteria (2023). Collection method: clinical testing. Allele origin: unknown.
Comment: NM_000260.3(MYO7A):c.1184G>A(R395H) is a missense variant classified as a variant of uncertain significance in the context of MYO7A-related disorders. R395H has been observed in cases with relevant disease (PMID: 27013738, 20132242). Relevant functional assessments of this variant are not available in the literature. R395H has been observed in referenced population frequency databases. In summary, there is insufficient evidence to classify NM_000260.3(MYO7A):c.1184G>A(R395H) as pathogenic or benign. Please note: this variant was assessed in the context of healthy population screening.

Labcorp Genetics (formerly Invitae), Labcorp
Classification: Pathogenic. Last evaluated: 2025-12-09. Review status: criteria provided, single submitter. Criteria: Invitae Variant Classification Sherloc (09022015). Collection method: clinical testing. Allele origin: germline.
Comment: This sequence change replaces arginine, which is basic and polar, with histidine, which is basic and polar, at codon 395 of the MYO7A protein (p.Arg395His). The frequency data for this variant in the population databases is considered unreliable, as metrics indicate poor data quality at this position in the gnomAD database. This missense change has been observed in individual(s) with autosomal recessive MYO7A-related conditions (PMID: 20132242, 27013738). In at least one individual the data is consistent with being in trans (on the opposite chromosome) from a pathogenic variant. It has also been observed to segregate with disease in related individuals. ClinVar contains an entry for this variant (Variation ID: 29926). Invitae Evidence Modeling of protein sequence and biophysical properties (such as structural, functional, and spatial information, amino acid conservation, physicochemical variation, residue mobility, and thermodynamic stability) indicates that this missense variant is expected to disrupt MYO7A protein function with a positive predictive value of 95%. This variant disrupts the p.Arg395 amino acid residue in MYO7A. Other variant(s) that disrupt this residue have been determined to be pathogenic (PMID: 23770805, 27573290). This suggests that this residue is clinically significant, and that variants that disrupt this residue are likely to be disease-causing. For these reasons, this variant has been classified as Pathogenic.

Natera, Inc.
Classification: Likely pathogenic for Usher syndrome type 1B. Last evaluated: 2025-03-17. Review status: criteria provided, single submitter. Criteria: Natera Variant Classification Schema (03/2026). Collection method: clinical testing. Allele origin: germline.
Comment: The c.1184G>A variant in MYO7A is a missense variant predicted to cause substitution of arginine to histidine at amino acid 395. This variant is rare in the general population with a frequency below the threshold expected for the associated phenotype(s). This variant has been observed in one or more individuals affected with the associated recessive disease, as either homozygous or compound heterozygous with a second variant (PMID: 27013738, 20132242). Additionally, this variant has been observed to segregate in affected family members (PMID: 20132242). A different variant at the same position has been determined to be Pathogenic or Likely Pathogenic. Computational prediction algorithms indicate this variant is likely to affect gene or protein function. Given the available evidence, this variant is classified as Likely Pathogenic.

PreventionGenetics, part of Exact Sciences
Classification: Likely pathogenic for MYO7A-related condition. Last evaluated: 2024-12-31. Review status: criteria provided, single submitter. Criteria: ACMG Guidelines, 2015. Collection method: clinical testing. Allele origin: germline.
Comment: The MYO7A c.1184G>A variant is predicted to result in the amino acid substitution p.Arg395His. This variant was reported in the homozygous and compound heterozygous state in five patients with non-syndromic hearing loss from three unrelated families (Hildebrand et al. 2010. PubMed ID: 20132242; Table S2, Perry et al. 2022. PubMed ID: 36515421; Tang et al. 2016. PubMed ID: 27013738). Functional in vitro experiments demonstrated genetic correction of this variant restored normal hair cell stereocilia organization and function (Tang et al. 2016. PubMed ID: 27013738). This variant is reported in 0.0014% of alleles in individuals of European (Non-Finnish) descent in gnomAD. This variant is interpreted as likely pathogenic.

Women's Health and Genetics/Laboratory Corporation of America, LabCorp
Classification: Pathogenic for Usher syndrome. Last evaluated: 2023-06-22. Review status: criteria provided, single submitter. Criteria: LabCorp Variant Classification Summary - May 2015. Collection method: clinical testing. Allele origin: germline.
Comment: Variant summary: MYO7A c.1184G>A (p.Arg395His) results in a non-conservative amino acid change located in the Myosin head, motor domain (IPR001609) of the encoded protein sequence. This alters a highly conserved residue (HGMD) in which another missense variant (p.Arg395Cys) is classified as likely pathogenic (ClinVar). Five of five in-silico tools predict a damaging effect of the variant on protein function. The variant allele was found at a frequency of 5.8e-06 in 172972 control chromosomes (gnomAD). c.1184G>A has been reported in the literature in multiple individuals affected with autosomal recessive nonsyndromic hearing loss with evidence of cosegregation with disease (Hildebrand_2010, Sloan-Heggen_2015, Tang_2016), and one individual was reported as compound heterozygous with a pathogenic variant in trans. These data indicate that the variant is very likely to be associated with disease. The following publications have been ascertained in the context of this evaluation (PMID: 20132242, 26445815, 27013738). Two submitters have cited clinical-significance assessments for this variant to ClinVar after 2014, and classified the variant as likely pathogenic. Based on the evidence outlined above, the variant was classified as pathogenic.

GeneDx
Classification: Likely pathogenic. Last evaluated: 2022-07-22. Review status: criteria provided, single submitter. Criteria: GeneDx Variant Classification Process June 2021. Collection method: clinical testing. Allele origin: germline. Affected: yes.
Comment: Not observed at significant frequency in large population cohorts (gnomAD); In silico analysis supports that this missense variant has a deleterious effect on protein structure/function; This variant is associated with the following publications: (PMID: 27013738, 20132242)

Genetics Research Center, University of Social Welfare and Rehabilitation Sciences
Classification: Pathogenic for Autosomal recessive nonsyndromic hearing loss 2. Review status: criteria provided, single submitter. Criteria: ACMG Guidelines, 2015. Collection method: research. Allele origin: germline. Affected: yes.
Comment: The variant is not present in the gnomAD v2.1.1 dataset and has been previously reported in individual(s) affected with MYO7A-related hearing loss (PMID:27013738, 26445815, 23770808, 20132242). It has also been observed to segregate with disease in related individuals. Other variant(s) that disrupt this residue have been determined to be pathogenic (PMID: 23770805, 27573290). Multiple in silico prediction tools suggest that the variant is damaging to protein function.

Juno Genomics, Hangzhou Juno Genomics, Inc
Classification: Likely pathogenic for Usher syndrome type 1; Autosomal dominant nonsyndromic hearing loss 11; Autosomal recessive nonsyndromic hearing loss 2. Review status: criteria provided, single submitter. Criteria: ACMG Guidelines, 2015. Collection method: clinical testing. Allele origin: germline.
Comment: Absent from controls (or at extremely low frequency if recessive) in Genome Aggregation Database.;Multiple lines of computational evidence support a deleterious effect on the gene or gene product.;Novel missense change at an amino acid residue where a different missense change determined to be pathogenic has been seen before.;For recessive disorders, detected in trans with a pathogenic variant.;Co-segregation with disease in multiple affected family members.

OMIM
Classification: Pathogenic for DEAFNESS, AUTOSOMAL RECESSIVE 2. Last evaluated: 2010-06-01. Review status: no assertion criteria provided. Collection method: literature only. Allele origin: germline. Not counted in ClinVar's aggregate classification.

Literature cited by the submitters: PubMed 20132242 (cited by 6 submitters); PubMed 27013738 (cited by 5 submitters); PubMed 23770805 (cited by Labcorp Genetics (formerly Invitae), Labcorp and Genetics Research Center, University of Social Welfare and Rehabilitation Sciences); PubMed 27573290 (cited by Labcorp Genetics (formerly Invitae), Labcorp and Genetics Research Center, University of Social Welfare and Rehabilitation Sciences); PubMed 26445815 (cited by Women's Health and Genetics/Laboratory Corporation of America, LabCorp and Genetics Research Center, University of Social Welfare and Rehabilitation Sciences); PubMed 23770808 (cited by Genetics Research Center, University of Social Welfare and Rehabilitation Sciences).